The following is an entry in ClinVar:

NM_002049.4(GATA1):c.618C>A (p.Asn206Lys)

Gene: GATA1 (GATA binding protein 1; plus strand). Cytogenetic location: Xp11.23.
Variant type: single nucleotide variant.
Coding change: c.618C>A on transcript NM_002049.4 (MANE Select); coding-DNA position 618, C replaced by A.
Protein change: p.Asn206Lys; replaces asparagine 206 with lysine.
Molecular consequence: missense variant.
Genome position (GRCh38, 1-based): chrX:48,792,342, C>A. VCF-style: chrX-48792342-C-A. GRCh37 (hg19) VCF-style: chrX-48650749-C-A.
Other names: short protein forms N206K.
Identifiers: ClinVar variation 2946969 (VCV002946969.3), dbSNP rs2519345042, ClinGen allele CA412870470.

ClinVar aggregate classification (germline): Uncertain significance (1 of 4 stars; one submission).

Conditions:
Diamond-Blackfan anemia. Also called: Blackfan Diamond syndrome; Aregenerative anemia chronic congenital; Red cell aplasia, pure hereditary; Congenital hypoplastic anemia; Aase syndrome. Identifiers: Orphanet 124, MedGen C1260899, MeSH D029503, MONDO:0015253, HP:0004810.
GATA binding protein 1 related thrombocytopenia with dyserythropoiesis. Also called: GATA1-Related Cytopenia; GATA1-Related X-Linked Cytopenia. Identifiers: MedGen C1845837, MONDO:0100089.

Submission:

Labcorp Genetics (formerly Invitae), Labcorp
Classification: Uncertain significance for GATA binding protein 1 related thrombocytopenia with dyserythropoiesis; Diamond-Blackfan anemia. Last evaluated: 2023-04-20. Review status: criteria provided, single submitter. Criteria: Invitae Variant Classification Sherloc (09022015). Collection method: clinical testing. Allele origin: germline.
Comment: This sequence change replaces asparagine, which is neutral and polar, with lysine, which is basic and polar, at codon 206 of the GATA1 protein (p.Asn206Lys). This variant is not present in population databases (gnomAD no frequency). This variant has not been reported in the literature in individuals affected with GATA1-related conditions. Advanced modeling of protein sequence and biophysical properties (such as structural, functional, and spatial information, amino acid conservation, physicochemical variation, residue mobility, and thermodynamic stability) has been performed at Invitae for this missense variant, however the output from this modeling did not meet the statistical confidence thresholds required to predict the impact of this variant on GATA1 protein function. In summary, the available evidence is currently insufficient to determine the role of this variant in disease. Therefore, it has been classified as a Variant of Uncertain Significance.